The following is an entry in ClinVar:

ClinVar aggregate classification (germline): Uncertain significance. Review status: criteria provided, multiple submitters, no conflicts (2 of 4 stars). 2 submissions from 2 submitters: Uncertain significance (2). Last evaluated 2025-08-29.

Conditions:
Inborn genetic diseases. Identifiers: MedGen C0950123, MeSH D030342.

Allele frequency attached by ClinVar (database versions not stated): gnomAD 0.00001; TOPMed 0.00001.
gnomAD v4.1: 6 of 1,613,376 alleles (0.00037%); highest among the groups gnomAD compares: Non-Finnish European, 0.00051%; no homozygotes.

Submissions (2):

Ambry Genetics
Classification: Uncertain significance for Inborn genetic diseases. Last evaluated: 2025-08-29. Review status: criteria provided, single submitter. Criteria: Ambry Variant Classification Scheme 2023. Collection method: clinical testing. Allele origin: germline.

Labcorp Genetics (formerly Invitae), Labcorp
Classification: Uncertain significance. Last evaluated: 2022-06-17. Review status: criteria provided, single submitter. Criteria: Invitae Variant Classification Sherloc (09022015). Collection method: clinical testing. Allele origin: germline.
Comment: This sequence change replaces aspartic acid, which is acidic and polar, with glutamic acid, which is acidic and polar, at codon 504 of the CDH23 protein (p.Asp504Glu). This variant is not present in population databases (gnomAD no frequency). This variant has not been reported in the literature in individuals affected with CDH23-related conditions. Algorithms developed to predict the effect of missense changes on protein structure and function are either unavailable or do not agree on the potential impact of this missense change (SIFT: "Deleterious"; PolyPhen-2: "Not Available"; Align-GVGD: "Class C35"). In summary, the available evidence is currently insufficient to determine the role of this variant in disease. Therefore, it has been classified as a Variant of Uncertain Significance.

NM_022124.6(CDH23):c.1512C>G (p.Asp504Glu)

Gene: CDH23 (cadherin related 23; plus strand). Cytogenetic location: 10q22.1.
Variant type: single nucleotide variant.
Coding change: c.1512C>G on transcript NM_022124.6 (MANE Select); coding-DNA position 1512, C replaced by G.
Protein change: p.Asp504Glu; replaces aspartic acid 504 with glutamic acid.
Molecular consequence: missense variant.
Genome position (GRCh38, 1-based): chr10:71,675,174, C>G. VCF-style: chr10-71675174-C-G. GRCh37 (hg19) VCF-style: chr10-73434931-C-G.
Other names: c.1512C>G, p.Asp504Glu (NM_001171930.2, NM_001171931.2); c.1512C>G (NM_022124.5); short protein forms D504E.
Identifiers: ClinVar variation 1354446 (VCV001354446.6), dbSNP rs987739864, ClinGen allele CA209463675.